The following is an entry in ClinVar:

NM_025074.7(FRAS1):c.11724T>C (p.Ser3908=)

Gene: FRAS1 (Fraser extracellular matrix complex subunit 1; plus strand). Cytogenetic location: 4q21.21.
Variant type: single nucleotide variant.
Coding change: c.11724T>C on transcript NM_025074.7 (MANE Select); coding-DNA position 11724, T replaced by C.
Protein change: p.Ser3908=; no amino-acid change (serine 3908 retained).
Molecular consequence: synonymous variant.
Genome position (GRCh38, 1-based): chr4:78,540,809, T>C. VCF-style: chr4-78540809-T-C. GRCh37 (hg19) VCF-style: chr4-79461963-T-C.
Identifiers: ClinVar variation 281467 (VCV000281467.20), dbSNP rs151307846, ClinGen allele CA2979289.
Genomic context (GRCh38, chr4:78,540,809, plus strand): 5'-GGAGATGCAAGAGTTGGCGGTAGCTGCGTCCCTGTCACAGACTGGGGCGTCCATTGGCAG[T>C]GCCCTGGCTGCAATCATGCTTCTACTTCTGGTGTTTTTGGTGGCTTGTTTTATCAACAGG-3'
Protein context (NP_079350.5, residues 3898-3918): SLSQTGASIG[Ser3908=]ALAAIMLLLL

ClinVar aggregate classification (germline): Benign/Likely benign. Review status: criteria provided, multiple submitters, no conflicts (2 of 4 stars). 5 submissions from 5 submitters: Benign (2); Likely benign (3). Last evaluated 2026-03-24.

Conditions:
Fraser syndrome 1 (FRASRS1). Also called: CRYPTOPHTHALMOS WITH OTHER MALFORMATIONS. Identifiers: Orphanet 2052, MedGen C4551480, MONDO:0054737, OMIM 219000.

Allele frequency attached by ClinVar (database versions not stated): gnomAD exomes 0.00020 and 0.00054; ExAC 0.00066; 1000 Genomes Project 30x 0.00203; ESP Exome Variant Server 0.00203; 1000 Genomes Project 0.00240; gnomAD 0.00264; TOPMed 0.00289.
gnomAD v4.1: 697 of 1,613,952 alleles (0.043%); highest among the groups gnomAD compares: African/African-American, 0.86%; 2 homozygotes.

Submissions (5):

Women's Health and Genetics/Laboratory Corporation of America, LabCorp
Classification: Likely benign. Last evaluated: 2026-03-24. Review status: criteria provided, single submitter. Criteria: LabCorp Variant Classification Summary - May 2015. Collection method: clinical testing. Allele origin: germline.

Labcorp Genetics (formerly Invitae), Labcorp
Classification: Benign. Last evaluated: 2026-01-20. Review status: criteria provided, single submitter. Criteria: Invitae Variant Classification Sherloc (09022015). Collection method: clinical testing. Allele origin: germline.

Blueprint Genetics
Classification: Likely benign. Last evaluated: 2024-10-23. Review status: criteria provided, single submitter. Criteria: ACMG Guidelines, 2015. Collection method: clinical testing. Allele origin: germline.

Illumina Laboratory Services, Illumina
Classification: Likely benign for Fraser syndrome 1. Last evaluated: 2018-01-13. Review status: criteria provided, single submitter. Criteria: ICSL Variant Classification Criteria 13 December 2019. Collection method: clinical testing. Allele origin: germline.
Comment: This variant was observed in the ICSL laboratory as part of a predisposition screen in an ostensibly healthy population. It had not been previously curated by ICSL or reported in the Human Gene Mutation Database (HGMD: prior to June 1st, 2018), and was therefore a candidate for classification through an automated scoring system. Utilizing variant allele frequency, disease prevalence and penetrance estimates, and inheritance mode, an automated score was calculated to assess if this variant is too frequent to cause the disease. Based on the score and internal cut-off values, a variant classified as likely benign is not then subjected to further curation. The score for this variant resulted in a classification of likely benign for this disease.

Eurofins Ntd Llc (ga)
Classification: Benign. Last evaluated: 2015-06-25. Review status: criteria provided, single submitter. Criteria: EGL Classification Definitions 2015. Collection method: clinical testing. Allele origin: germline. Observed: 1 variant allele, 1 heterozygote.